The following is an entry in ClinVar:

NM_182961.4(SYNE1):c.25617G>A (p.Glu8539=)

Gene: SYNE1 (spectrin repeat containing nuclear envelope protein 1; minus strand). Cytogenetic location: 6q25.2.
Variant type: single nucleotide variant.
Coding change: c.25617G>A on transcript NM_182961.4 (MANE Select); coding-DNA position 25617, G replaced by A.
Protein change: p.Glu8539=; no amino-acid change (glutamic acid 8539 retained).
Molecular consequence: synonymous variant.
Genome position (GRCh38, 1-based): chr6:152,136,660, C>T on the plus strand (G>A on the coding strand, the complement: SYNE1 is on the minus strand). VCF-style: chr6-152136660-C-T. GRCh37 (hg19) VCF-style: chr6-152457795-C-T.
Other names: c.2223G>A, p.Glu741= (NM_001347701.2); c.2151G>A, p.Glu717= (NM_001347702.2); c.25473G>A, p.Glu8491= (NM_033071.5).
Identifiers: ClinVar variation 194449 (VCV000194449.50), dbSNP rs118187988, ClinGen allele CA240407.
Genomic context (GRCh38, chr6:152,136,660, plus strand): 5'-GCCCAAAGCTCTACAGACCTGGCACTGCATCAGGGCATCCTGCAGCAGGCCCCGCCACTC[C>T]TCCAGCAGAGAGCACACTCGGTCCCAGCGCCCATTCATCTGCGACAAGCGATCCTGCAGG-3'
Protein context (NP_892006.3, residues 8529-8549): GRWDRVCSLL[Glu8539=]EWRGLLQDAL

ClinVar aggregate classification (germline): Conflicting classifications of pathogenicity. Review status: criteria provided, conflicting classifications (1 of 4 stars). 11 submissions from 10 submitters: Uncertain significance (1); Benign (4); Likely benign (4). 2 of the submissions do not count toward it. Last evaluated 2026-09-01.

Conditions:
Emery-Dreifuss muscular dystrophy 4, autosomal dominant (EDMD4). Also called: EMERY-DREIFUSS MUSCULAR DYSTROPHY 4 WITH VARIABLE FEATURES. Identifiers: Orphanet 261, MedGen C2751807, MONDO:0013071, OMIM 612998.
Autosomal recessive ataxia, Beauce type. Also called: SYNE1 Deficiency; ATAXIA, RECESSIVE, OF BEAUCE; Spinocerebellar ataxia, autosomal recessive 8; SYNE1-Related Autosomal Recessive Cerebellar Ataxia. Identifiers: Orphanet 88644, MedGen C1853116, MONDO:0012549, OMIM 610743.

Allele frequency attached by ClinVar (database versions not stated): ExAC 0.00117; gnomAD exomes 0.00137 and 0.00216; ESP Exome Variant Server 0.00138; 1000 Genomes Project 0.00140; 1000 Genomes Project 30x 0.00141; gnomAD 0.00154 and 0.00157; TOPMed 0.00175.
gnomAD v4.1: 3,435 of 1,614,138 alleles (0.21%); highest among the groups gnomAD compares: Middle Eastern, 0.47%; 7 homozygotes.

Submissions (11):

CeGaT Center for Human Genetics Tuebingen
Classification: Likely benign. Last evaluated: 2026-09-01. Review status: criteria provided, single submitter. Criteria: CeGaT Center For Human Genetics Tuebingen Variant Classification Criteria Version 2. Collection method: clinical testing. Allele origin: germline. Affected: yes. Observed: 16 variant alleles.
Comment: SYNE1: BP4, BP7

Women's Health and Genetics/Laboratory Corporation of America, LabCorp
Classification: Benign. Last evaluated: 2026-06-16. Review status: criteria provided, single submitter. Criteria: LabCorp Variant Classification Summary - May 2015. Collection method: clinical testing. Allele origin: germline.

Labcorp Genetics (formerly Invitae), Labcorp
Classification: Likely benign for Emery-Dreifuss muscular dystrophy 4, autosomal dominant; Autosomal recessive ataxia, Beauce type. Last evaluated: 2026-01-30. Review status: criteria provided, single submitter. Criteria: Invitae Variant Classification Sherloc (09022015). Collection method: clinical testing. Allele origin: germline.

Blueprint Genetics
Classification: Likely benign. Last evaluated: 2024-11-21. Review status: criteria provided, single submitter. Criteria: ACMG Guidelines, 2015. Collection method: clinical testing. Allele origin: germline.

Athena Diagnostics
Classification: Benign. Last evaluated: 2018-11-06. Review status: criteria provided, single submitter. Criteria: Athena Diagnostics Criteria. Collection method: clinical testing. Allele origin: germline.

GeneDx
Classification: Benign. Last evaluated: 2018-08-16. Review status: criteria provided, single submitter. Criteria: GeneDx Variant Classification Process June 2021. Collection method: clinical testing. Allele origin: germline. Affected: yes.

Illumina Laboratory Services, Illumina
Classification: Benign for Emery-Dreifuss muscular dystrophy 4, autosomal dominant. Last evaluated: 2018-01-13. Review status: criteria provided, single submitter. Criteria: ICSL Variant Classification Criteria 13 December 2019. Collection method: clinical testing. Allele origin: germline.
Comment: This variant was observed in the ICSL laboratory as part of a predisposition screen in an ostensibly healthy population. It had not been previously curated by ICSL or reported in the Human Gene Mutation Database (HGMD: prior to June 1st, 2018), and was therefore a candidate for classification through an automated scoring system. Utilizing variant allele frequency, disease prevalence and penetrance estimates, and inheritance mode, an automated score was calculated to assess if this variant is too frequent to cause the disease. Based on the score and internal cut-off values, a variant classified as benign is not then subjected to further curation. The score for this variant resulted in a classification of benign for this disease.

Illumina Laboratory Services, Illumina
Classification: Uncertain significance for Autosomal recessive ataxia, Beauce type. Last evaluated: 2018-01-13. Review status: criteria provided, single submitter. Criteria: ICSL Variant Classification Criteria 13 December 2019. Collection method: clinical testing. Allele origin: germline.

Eurofins Ntd Llc (ga)
Classification: Likely benign. Last evaluated: 2016-12-13. Review status: criteria provided, single submitter. Criteria: EGL Classification Definitions 2015. Collection method: clinical testing. Allele origin: germline. Observed: 24 variant alleles, 24 heterozygotes.

Clinical Genetics DNA and cytogenetics Diagnostics Lab, Erasmus MC, Erasmus Medical Center
Classification: Likely benign. Review status: no assertion criteria provided. Collection method: clinical testing. Allele origin: germline. Affected: yes. Study: VKGL Data-share Consensus. Not counted in ClinVar's aggregate classification.

Genome Diagnostics Laboratory, University Medical Center Utrecht
Classification: Likely benign. Review status: no assertion criteria provided. Collection method: clinical testing. Allele origin: germline. Affected: yes. Study: VKGL Data-share Consensus. Not counted in ClinVar's aggregate classification.